The following is an entry in ClinVar:

NM_001077653.2(TBX20):c.277C>A (p.Pro93Thr)

Gene: TBX20 (T-box transcription factor 20; minus strand). Cytogenetic location: 7p14.2.
Variant type: single nucleotide variant.
Coding change: c.277C>A on transcript NM_001077653.2 (MANE Select); coding-DNA position 277, C replaced by A.
Protein change: p.Pro93Thr; replaces proline 93 with threonine.
Molecular consequence: missense variant.
Genome position (GRCh38, 1-based): chr7:35,250,054, G>T on the plus strand (C>A on the coding strand, the complement: TBX20 is on the minus strand). VCF-style: chr7-35250054-G-T. GRCh37 (hg19) VCF-style: chr7-35289666-G-T.
Other names: c.277C>A, p.Pro93Thr (NM_001166220.1); short protein forms P93T.
Identifiers: ClinVar variation 3371226 (VCV003371226.1).

ClinVar aggregate classification (germline): Uncertain significance (1 of 4 stars; one submission).

Submission:

GeneDx
Classification: Uncertain significance. Last evaluated: 2024-03-26. Review status: criteria provided, single submitter. Criteria: GeneDx Variant Classification Process June 2021. Collection method: clinical testing. Allele origin: germline. Affected: yes.
Comment: Not observed at significant frequency in large population cohorts (gnomAD); In silico analysis supports that this missense variant does not alter protein structure/function; Has not been previously published as pathogenic or benign to our knowledge